The following is an entry in ClinVar:

ClinVar aggregate classification (germline): Uncertain significance (1 of 4 stars; one submission).

Conditions:
TNF receptor-associated periodic fever syndrome (TRAPS) (FPF). Also called: FAMILIAL HIBERNIAN FEVER; TNF RECEPTOR-ASSOCIATED PERIODIC SYNDROME; TUMOR NECROSIS FACTOR RECEPTOR-ASSOCIATED PERIODIC SYNDROME; Autosomal Dominant Familial Periodic Fever; TNF Receptor-Associated Periodic Fever Syndrome; TNF receptor 1-associated periodic fever syndrome. Identifiers: Orphanet 32960, MedGen C1275126, MONDO:0007727, OMIM 142680.

gnomAD v4.1: 8 of 1,614,136 alleles (0.0005%); highest among the groups gnomAD compares: South Asian, 0.0011%; no homozygotes.

Submission:

Labcorp Genetics (formerly Invitae), Labcorp
Classification: Uncertain significance for TNF receptor-associated periodic fever syndrome (TRAPS). Last evaluated: 2025-02-19. Review status: criteria provided, single submitter. Criteria: Invitae Variant Classification Sherloc (09022015). Collection method: clinical testing. Allele origin: germline.
Comment: This sequence change replaces valine, which is neutral and non-polar, with alanine, which is neutral and non-polar, at codon 124 of the TNFRSF1A protein (p.Val124Ala). This variant is present in population databases (rs200801196, gnomAD 0.0009%). This variant has not been reported in the literature in individuals affected with TNFRSF1A-related conditions. Invitae Evidence Modeling of protein sequence and biophysical properties (such as structural, functional, and spatial information, amino acid conservation, physicochemical variation, residue mobility, and thermodynamic stability) has been performed for this missense variant. However, the output from this modeling did not meet the statistical confidence thresholds required to predict the impact of this variant on TNFRSF1A protein function. In summary, the available evidence is currently insufficient to determine the role of this variant in disease. Therefore, it has been classified as a Variant of Uncertain Significance.

NM_001065.4(TNFRSF1A):c.371T>C (p.Val124Ala)

Gene: TNFRSF1A (TNF receptor superfamily member 1A; minus strand). Cytogenetic location: 12p13.31.
Variant type: single nucleotide variant.
Coding change: c.371T>C on transcript NM_001065.4 (MANE Select); coding-DNA position 371, T replaced by C.
Protein change: p.Val124Ala; replaces valine 124 with alanine.
Molecular consequence: missense variant. On other transcripts: 5 prime UTR variant (1), non-coding transcript variant (1).
Genome position (GRCh38, 1-based): chr12:6,333,468, A>G on the plus strand (T>C on the coding strand, the complement: TNFRSF1A is on the minus strand). VCF-style: chr12-6333468-A-G. GRCh37 (hg19) VCF-style: chr12-6442634-A-G.
Other names: c.47T>C, p.Val16Ala (NM_001346091.2); c.-207T>C (NM_001346092.2); short protein forms V124A, V16A.
Identifiers: ClinVar variation 4812100 (VCV004812100.1).
Genomic context (GRCh38, chr12:6,333,468, plus strand): 5'-AAGCACTGGAAAAGGTTTTCACTCCAATAATGCCGGTACTGGTTCTTCCTGCAGCCACAC[A>G]CGGTGTCCCGGTCCACTGTGCAAGAAGAGATCTCCACCTGACCCATTTCTGGTGAGGGGA-3'
Protein context (NP_001056.1, residues 114-134): ISSCTVDRDT[Val124Ala]CGCRKNQYRH